The following is an entry in ClinVar:

NM_000138.5(FBN1):c.7537C>G (p.Pro2513Ala)

Gene: FBN1 (fibrillin 1; minus strand). Cytogenetic location: 15q21.1.
Variant type: single nucleotide variant.
Coding change: c.7537C>G on transcript NM_000138.5 (MANE Select); coding-DNA position 7537, C replaced by G.
Protein change: p.Pro2513Ala; replaces proline 2513 with alanine.
Molecular consequence: missense variant.
Genome position (GRCh38, 1-based): chr15:48,421,985, G>C on the plus strand (C>G on the coding strand, the complement: FBN1 is on the minus strand). VCF-style: chr15-48421985-G-C. GRCh37 (hg19) VCF-style: chr15-48714182-G-C.
Other names: c.7537C>G, p.Pro2513Ala (NM_001406716.1); short protein forms P2513A.
Identifiers: ClinVar variation 4871225 (VCV004871225.1).
Genomic context (GRCh38, chr15:48,421,985, plus strand): 5'-TGTAGGATTTTTTCCTCTCCTACTCACCAATGCAGGACGTATGGTGTTGGGTAAATCCGG[G>C]AGGACATTTGCATGTGAAGCCGCCAATGGTGTTAACACATAGGAACTGGCAGTTGTGTTG-3'
Protein context (NP_000129.3, residues 2503-2523): TIGGFTCKCP[Pro2513Ala]GFTQHHTSCI

ClinVar aggregate classification (germline): Uncertain significance (1 of 4 stars; one submission).

Conditions:
Familial thoracic aortic aneurysm and aortic dissection (TAAD). Also called: Thoracic aortic aneurysms and dissections. Identifiers: Orphanet 91387, MedGen C4707243, MONDO:0019625.

gnomAD v4.1: 2 of 1,614,032 alleles (0.00012%); highest among the groups gnomAD compares: Non-Finnish European, 0.00017%; no homozygotes.

Submission:

Ambry Genetics
Classification: Uncertain significance for Familial thoracic aortic aneurysm and aortic dissection. Last evaluated: 2026-04-09. Review status: criteria provided, single submitter. Criteria: Ambry Variant Classification Scheme 2023. Collection method: clinical testing. Allele origin: germline.
Comment: The p.P2513A variant (also known as c.7537C>G), located in coding exon 60 of the FBN1 gene, results from a C to G substitution at nucleotide position 7537. The proline at codon 2513 is replaced by alanine, an amino acid with highly similar properties. This amino acid position is conserved. In addition, the in silico prediction for this alteration is inconclusive. Based on the available evidence, the clinical significance of this variant remains unclear.